The following is an entry in ClinVar:

ClinVar aggregate classification (germline): Uncertain significance. Review status: criteria provided, multiple submitters, no conflicts (2 of 4 stars). 2 submissions from 2 submitters: Uncertain significance (2). Last evaluated 2026-08-27.

Conditions:
Inborn genetic diseases. Identifiers: MedGen C0950123, MeSH D030342.
LRP6-related disorder. Also called: LRP6-related condition.

gnomAD v4.1: 8 of 1,614,036 alleles (0.0005%); highest among the groups gnomAD compares: Non-Finnish European, 0.00068%; no homozygotes.

Submissions (2):

Ambry Genetics
Classification: Uncertain significance for Inborn genetic diseases. Last evaluated: 2026-08-27. Review status: criteria provided, single submitter. Criteria: Ambry Variant Classification Scheme 2023. Collection method: clinical testing. Allele origin: germline.

PreventionGenetics, part of Exact Sciences
Classification: Uncertain significance for LRP6-related condition. Last evaluated: 2024-12-30. Review status: criteria provided, single submitter. Criteria: ACMG Guidelines, 2015. Collection method: clinical testing. Allele origin: germline.
Comment: The LRP6 c.1098T>A variant is predicted to result in the amino acid substitution p.Asp366Glu. To our knowledge, this variant has not been reported in the literature or in a large population database (gnomAD), indicating this variant is rare. At this time, the clinical significance of this variant is uncertain due to the absence of conclusive functional and genetic evidence.

NM_002336.3(LRP6):c.1098T>A (p.Asp366Glu)

Gene: LRP6 (LDL receptor related protein 6; minus strand). Cytogenetic location: 12p13.2.
Variant type: single nucleotide variant.
Coding change: c.1098T>A on transcript NM_002336.3 (MANE Select); coding-DNA position 1098, T replaced by A.
Protein change: p.Asp366Glu; replaces aspartic acid 366 with glutamic acid.
Molecular consequence: missense variant. On other transcripts: non-coding transcript variant (1).
Genome position (GRCh38, 1-based): chr12:12,181,318, A>T on the plus strand (T>A on the coding strand, the complement: LRP6 is on the minus strand). VCF-style: chr12-12181318-A-T. GRCh37 (hg19) VCF-style: chr12-12334252-A-T.
Other names: c.1098T>A, p.Asp366Glu (NM_001414244.1, NM_001414245.1, NM_001414246.1 and 5 more transcripts); c.900T>A, p.Asp300Glu (NM_001414247.1); c.645T>A, p.Asp215Glu (NM_001414252.1, NM_001414253.1, NM_001414254.1); short protein forms D215E, D300E, D366E.
Identifiers: ClinVar variation 4981523 (VCV004981523.2).